The following is an entry in ClinVar:

NM_001613.4(ACTA2):c.236C>T (p.Thr79Ile)

Gene: ACTA2 (actin alpha 2, smooth muscle; minus strand). Cytogenetic location: 10q23.31.
Variant type: single nucleotide variant.
Coding change: c.236C>T on transcript NM_001613.4 (MANE Select); coding-DNA position 236, C replaced by T.
Protein change: p.Thr79Ile; replaces threonine 79 with isoleucine.
Molecular consequence: missense variant. On other transcripts: intron variant (3).
Genome position (GRCh38, 1-based): chr10:88,947,280, G>A on the plus strand (C>T on the coding strand, the complement: ACTA2 is on the minus strand). VCF-style: chr10-88947280-G-A. GRCh37 (hg19) VCF-style: chr10-90707037-G-A.
Other names: c.236C>T, p.Thr79Ile (NM_001141945.3, NM_001320855.2, NM_001406462.1 and 4 more transcripts); c.129+1522C>T (NM_001406467.1, NM_001406468.1, NM_001406469.1); short protein forms T79I.
Identifiers: ClinVar variation 3619322 (VCV003619322.2).
Genomic context (GRCh38, chr10:88,947,280, plus strand): 5'-GCATCCTGAGGGCCCAAGCTGCAGCAAACCTCCCATACCTTTTCCATGTCGTCCCAGTTG[G>A]TGATGATGCCATGTTCTATCGGGTACTTCAGGGTCAGGATTCCTCTTTTGCTCTGTGCTT-3'
Protein context (NP_001604.1, residues 69-89): LKYPIEHGII[Thr79Ile]NWDDMEKIWH

ClinVar aggregate classification (germline): Uncertain significance (1 of 4 stars; one submission).

Conditions:
Aortic aneurysm, familial thoracic 6 (AAT6). Also called: FAMILIAL THORACIC AORTIC ANEURYSM WITH LIVEDO RETICULARIS AND IRIS FLOCCULI. Identifiers: MedGen C2673186, MONDO:0012730, OMIM 611788.

Submission:

Labcorp Genetics (formerly Invitae), Labcorp
Classification: Uncertain significance for Aortic aneurysm, familial thoracic 6. Last evaluated: 2024-10-23. Review status: criteria provided, single submitter. Criteria: Invitae Variant Classification Sherloc (09022015). Collection method: clinical testing. Allele origin: germline.
Comment: This sequence change replaces threonine, which is neutral and polar, with isoleucine, which is neutral and non-polar, at codon 79 of the ACTA2 protein (p.Thr79Ile). This variant is not present in population databases (gnomAD no frequency). This variant has not been reported in the literature in individuals affected with ACTA2-related conditions. Invitae Evidence Modeling of protein sequence and biophysical properties (such as structural, functional, and spatial information, amino acid conservation, physicochemical variation, residue mobility, and thermodynamic stability) indicates that this missense variant is not expected to disrupt ACTA2 protein function with a negative predictive value of 80%. In summary, the available evidence is currently insufficient to determine the role of this variant in disease. Therefore, it has been classified as a Variant of Uncertain Significance.